The following is an entry in ClinVar:

NM_001393504.1(MAST3):c.1114C>G (p.Pro372Ala)

Gene: MAST3 (microtubule associated serine/threonine kinase 3; plus strand). Cytogenetic location: 19p13.11.
Variant type: single nucleotide variant.
Coding change: c.1114C>G on transcript NM_001393504.1 (MANE Select); coding-DNA position 1114, C replaced by G.
Protein change: p.Pro372Ala; replaces proline 372 with alanine.
Molecular consequence: missense variant.
Genome position (GRCh38, 1-based): chr19:18,128,435, C>G. VCF-style: chr19-18128435-C-G. GRCh37 (hg19) VCF-style: chr19-18239245-C-G.
Other names: c.1138C>G, p.Pro380Ala (NM_001393501.1); c.1117C>G, p.Pro373Ala (NM_001393502.1); c.1114C>G, p.Pro372Ala (NM_001393503.1); c.1111C>G, p.Pro371Ala (NM_001393505.1); c.1066C>G, p.Pro356Ala (NM_001393506.1, NM_001393513.1); c.1093C>G, p.Pro365Ala (NM_001393507.1); c.1048C>G, p.Pro350Ala (NM_001393508.1, NM_001393516.1); c.1045C>G, p.Pro349Ala (NM_001393509.1, NM_001393510.1, NM_001393512.1 and 2 more transcripts); and 4 more; short protein forms P334A, P349A, P350A, P380A, P342A, P348A, P373A, P371A.
Identifiers: ClinVar variation 4723176 (VCV004723176.1).

ClinVar aggregate classification (germline): Uncertain significance (1 of 4 stars; one submission).

gnomAD v4.1: 1 of 1,556,908 alleles (0.000064%); highest among the groups gnomAD compares: Admixed American, 0.0019%; no homozygotes.

Submission:

Labcorp Genetics (formerly Invitae), Labcorp
Classification: Uncertain significance. Last evaluated: 2025-07-13. Review status: criteria provided, single submitter. Criteria: Invitae Variant Classification Sherloc (09022015). Collection method: clinical testing. Allele origin: germline.
Comment: This sequence change replaces proline, which is neutral and non-polar, with alanine, which is neutral and non-polar, at codon 343 of the MAST3 protein (p.Pro343Ala). This variant is not present in population databases (gnomAD no frequency). This variant has not been reported in the literature in individuals affected with MAST3-related conditions. An algorithm developed to predict the effect of missense changes on protein structure and function (PolyPhen-2) suggests that this variant is likely to be tolerated. In summary, the available evidence is currently insufficient to determine the role of this variant in disease. Therefore, it has been classified as a Variant of Uncertain Significance.